The following is an entry in ClinVar:

ClinVar aggregate classification (germline): Uncertain significance. Review status: criteria provided, multiple submitters, no conflicts (2 of 4 stars). 2 submissions from 2 submitters: Uncertain significance (2). Last evaluated 2024-09-10.

Conditions:
Inborn genetic diseases. Identifiers: MedGen C0950123, MeSH D030342.

Allele frequency attached by ClinVar (database versions not stated): gnomAD exomes below 0.00001; TOPMed 0.00002.

Submissions (2):

Ambry Genetics
Classification: Uncertain significance for Inborn genetic diseases. Last evaluated: 2024-09-10. Review status: criteria provided, single submitter. Criteria: Ambry Variant Classification Scheme 2023. Collection method: clinical testing. Allele origin: germline.

Labcorp Genetics (formerly Invitae), Labcorp
Classification: Uncertain significance. Last evaluated: 2022-05-17. Review status: criteria provided, single submitter. Criteria: Invitae Variant Classification Sherloc (09022015). Collection method: clinical testing. Allele origin: germline.
Comment: In summary, the available evidence is currently insufficient to determine the role of this variant in disease. Therefore, it has been classified as a Variant of Uncertain Significance. Algorithms developed to predict the effect of missense changes on protein structure and function are either unavailable or do not agree on the potential impact of this missense change (SIFT: "Tolerated"; PolyPhen-2: "Probably Damaging"; Align-GVGD: "Class C15"). This sequence change replaces arginine, which is basic and polar, with cysteine, which is neutral and slightly polar, at codon 15 of the SRP54 protein (p.Arg15Cys). This variant is not present in population databases (gnomAD no frequency). This variant has not been reported in the literature in individuals affected with SRP54-related conditions.

NM_003136.4(SRP54):c.43C>T (p.Arg15Cys)

Gene: SRP54 (signal recognition particle 54; plus strand). Cytogenetic location: 14q13.2.
Variant type: single nucleotide variant.
Coding change: c.43C>T on transcript NM_003136.4 (MANE Select); coding-DNA position 43, C replaced by T.
Protein change: p.Arg15Cys; replaces arginine 15 with cysteine.
Molecular consequence: missense variant. On other transcripts: 5 prime UTR variant (1).
Genome position (GRCh38, 1-based): chr14:34,996,752, C>T. VCF-style: chr14-34996752-C-T. GRCh37 (hg19) VCF-style: chr14-35465958-C-T.
Other names: c.43C>T (NM_003136.3); c.-13C>T (NM_001146282.2); c.43C>T, p.Arg15Cys (NM_001411017.1); short protein forms R15C.
Identifiers: ClinVar variation 1911926 (VCV001911926.6), dbSNP rs2044078669, ClinGen allele CA389435929.
Genomic context (GRCh38, chr14:34,996,752, plus strand): 5'-CATCTTAAAGCTGTCAAGATGGTTCTAGCAGACCTTGGAAGAAAAATAACATCAGCATTA[C>T]GCTCGTTGAGCAATGCCACCATTATCAATGAAGAGGTATGTAAAATATTGTATGAAATAT-3'
Protein context (NP_003127.1, residues 5-25): DLGRKITSAL[Arg15Cys]SLSNATIINE